The following is an entry in ClinVar:

NM_006348.5(COG5):c.872A>T (p.Asn291Ile)

Gene: COG5 (component of oligomeric golgi complex 5; minus strand). Cytogenetic location: 7q22.3.
Variant type: single nucleotide variant.
Coding change: c.872A>T on transcript NM_006348.5 (MANE Select); coding-DNA position 872, A replaced by T.
Protein change: p.Asn291Ile; replaces asparagine 291 with isoleucine.
Molecular consequence: missense variant. On other transcripts: intron variant (2).
Genome position (GRCh38, 1-based): chr7:107,362,384, T>A on the plus strand (A>T on the coding strand, the complement: COG5 is on the minus strand). VCF-style: chr7-107362384-T-A. GRCh37 (hg19) VCF-style: chr7-107002829-T-A.
Other names: c.872A>T, p.Asn291Ile (NM_001161520.2, NM_001379511.1, NM_001379512.1 and 3 more transcripts); c.235-274A>T (NM_001379516.1); c.539-64038A>T (NM_001379515.1); short protein forms N291I.
Identifiers: ClinVar variation 4686542 (VCV004686542.1).
Genomic context (GRCh38, chr7:107,362,384, plus strand): 5'-TAAATATGATCCATAAGTTTCTCCATATTGGTCCAGAATGAGGCACGCAAAGCTGCAGTA[T>A]TTCCTGGGGTTGGCATGGTAGATCGTCCAGGTCCCCCTGGTTATGAGTGAGAAAGAACAA-3'
Protein context (NP_006339.4, residues 281-301): PGRSTMPTPG[Asn291Ile]TAALRASFWT

ClinVar aggregate classification (germline): Uncertain significance (1 of 4 stars; one submission).

Submission:

GeneDx
Classification: Uncertain significance. Last evaluated: 2025-07-17. Review status: criteria provided, single submitter. Criteria: GeneDx Variant Classification Process June 2021. Collection method: clinical testing. Allele origin: germline. Affected: yes.
Comment: Has not been previously published as pathogenic or benign to our knowledge; Not observed at significant frequency in large population cohorts (gnomAD); In silico analysis supports that this missense variant has a deleterious effect on protein structure/function